The following is an entry in ClinVar:

NM_014639.4(SKIC3):c.4102C>T (p.Gln1368Ter)

Gene: SKIC3 (SKI3 subunit of superkiller complex; minus strand). Cytogenetic location: 5q15.
Variant type: single nucleotide variant.
Coding change: c.4102C>T on transcript NM_014639.4 (MANE Select); coding-DNA position 4102, C replaced by T.
Protein change: p.Gln1368Ter; replaces glutamine 1368 with a stop codon.
Molecular consequence: nonsense.
Genome position (GRCh38, 1-based): chr5:95,482,583, G>A on the plus strand (C>T on the coding strand, the complement: SKIC3 is on the minus strand). VCF-style: chr5-95482583-G-A. GRCh37 (hg19) VCF-style: chr5-94818287-G-A.
Other names: Q1368*.
Identifiers: ClinVar variation 1708563 (VCV001708563.5), dbSNP rs763823697, ClinGen allele CA3346497.
Genomic context (GRCh38, chr5:95,482,583, plus strand): 5'-CTTCAAGTACAGCATCTGGGAGTGGCTTTTGTGACTCCAGGAGTGGTTTACACTGAACTT[G>A]TCTCAAAAGTAAGATAACGGCTGGCTGATCAGGGTTACTTTTTAAATTCTAGAAATCAAA-3'

ClinVar aggregate classification (germline): Pathogenic. Review status: criteria provided, multiple submitters, no conflicts (2 of 4 stars). 3 submissions from 3 submitters: Pathogenic (2). 1 of the submissions does not count toward it. Last evaluated 2024-01-08.

Conditions:
Trichohepatoenteric syndrome. Also called: THE SYNDROME; Syndromic diarrhea; Tricho-hepato-enteric syndrome. Identifiers: Orphanet 84064, MedGen C1857276, MONDO:0009105.
Trichohepatoenteric syndrome 1 (THES1). Also called: DIARRHEA, FATAL INFANTILE, WITH TRICHORRHEXIS NODOSA. Identifiers: Orphanet 84064, MedGen C4551982, MONDO:0024541, OMIM 222470.

gnomAD v4.1: 1 of 1,614,030 alleles (0.000062%); highest among the groups gnomAD compares: Non-Finnish European, 0.000085%; no homozygotes.

Submissions (3):

Labcorp Genetics (formerly Invitae), Labcorp
Classification: Pathogenic. Last evaluated: 2024-01-08. Review status: criteria provided, single submitter. Criteria: Invitae Variant Classification Sherloc (09022015). Collection method: clinical testing. Allele origin: germline.
Comment: This sequence change creates a premature translational stop signal (p.Gln1368*) in the TTC37 gene. It is expected to result in an absent or disrupted protein product. Loss-of-function variants in TTC37 are known to be pathogenic (PMID: 20176027, 21120949). This variant is present in population databases (rs763823697, gnomAD 0.0009%). This premature translational stop signal has been observed in individual(s) with clinical features of trichohepatoenteric syndrome (PMID: 25714577). ClinVar contains an entry for this variant (Variation ID: 1708563). For these reasons, this variant has been classified as Pathogenic.

Women's Health and Genetics/Laboratory Corporation of America, LabCorp
Classification: Pathogenic for Trichohepatoenteric syndrome. Last evaluated: 2023-12-11. Review status: criteria provided, single submitter. Criteria: LabCorp Variant Classification Summary - May 2015. Collection method: clinical testing. Allele origin: germline.
Comment: Variant summary: SKIC3 c.4102C>T (p.Gln1368X) results in a premature termination codon, predicted to cause a truncation of the encoded protein or absence of the protein due to nonsense mediated decay, which are commonly known mechanisms for disease. The variant allele was found at a frequency of 4e-06 in 251370 control chromosomes. c.4102C>T has been reported in the literature in at least one individual affected with Trichohepatoenteric Syndrome (e.g. Monies_2015). These data suggest the variant is likely to be associated with disease. To our knowledge, no experimental evidence demonstrating an impact on protein function has been reported. The following publication has been ascertained in the context of this evaluation (PMID: 25714577). One submitter has cited clinical-significance assessments for this variant to ClinVar after 2014 and has classified the variant as pathogenic. Based on the evidence outlined above, the variant was classified as pathogenic.

OMIM
Classification: Pathogenic for TRICHOHEPATOENTERIC SYNDROME 1. Last evaluated: 2022-10-10. Review status: no assertion criteria provided. Collection method: literature only. Allele origin: germline. Not counted in ClinVar's aggregate classification.

Literature cited by the submitters: PubMed 20176027 (cited by Labcorp Genetics (formerly Invitae), Labcorp); PubMed 21120949 (cited by Labcorp Genetics (formerly Invitae), Labcorp); PubMed 25714577 (cited by 3 submitters).